The following is an entry in ClinVar:

ClinVar aggregate classification (germline): Benign. Review status: criteria provided, multiple submitters, no conflicts (2 of 4 stars). 2 submissions from 2 submitters: Benign (2). Last evaluated 2018-01-13.

Conditions:
Retinitis pigmentosa (RP). Identifiers: Orphanet 791, MedGen C0035334, MeSH D012174, MONDO:0019200, OMIM 268000. Inheritance: Autosomal dominant, autosomal recessive and X linked inheritance.

Allele frequency attached by ClinVar (database versions not stated): 1000 Genomes Project 0.07009; ExAC 0.09039; gnomAD exomes 0.10027; TOPMed 0.10353; gnomAD 0.10617 and 0.10854; 1000 Genomes Project 30x 0.06855.
gnomAD v4.1: 49,648 of 457,192 alleles (11%); highest among the groups gnomAD compares: Middle Eastern, 17%; 3,063 homozygotes.

Submissions (2):

Illumina Laboratory Services, Illumina
Classification: Benign for Retinitis pigmentosa. Last evaluated: 2018-01-13. Review status: criteria provided, single submitter. Criteria: ICSL Variant Classification Criteria 13 December 2019. Collection method: clinical testing. Allele origin: germline.
Comment: This variant was observed in the ICSL laboratory as part of a predisposition screen in an ostensibly healthy population. It had not been previously curated by ICSL or reported in the Human Gene Mutation Database (HGMD: prior to June 1st, 2018), and was therefore a candidate for classification through an automated scoring system. Utilizing variant allele frequency, disease prevalence and penetrance estimates, and inheritance mode, an automated score was calculated to assess if this variant is too frequent to cause the disease. Based on the score and internal cut-off values, a variant classified as benign is not then subjected to further curation. The score for this variant resulted in a classification of benign for this disease.

Breakthrough Genomics
Classification: Benign. Review status: criteria provided, single submitter. Criteria: ACMG Guidelines, 2015. Collection method: not provided. Allele origin: germline. Inheritance: Autosomal recessive inheritance. Affected: yes.

NM_002602.4(PDE6G):c.*399C>T

Gene: PDE6G (phosphodiesterase 6G; minus strand). Cytogenetic location: 17q25.3.
Variant type: single nucleotide variant.
Coding change: c.*399C>T on transcript NM_002602.4 (MANE Select); 399 bases downstream of the stop codon, C replaced by T.
Molecular consequence: 3 prime UTR variant. On other transcripts: non-coding transcript variant (2).
Genome position (GRCh38, 1-based): chr17:81,650,675, G>A on the plus strand (C>T on the coding strand, the complement: PDE6G is on the minus strand). VCF-style: chr17-81650675-G-A. GRCh37 (hg19) VCF-style: chr17-79617705-G-A.
Other names: c.*399C>T (NM_001365724.1, NM_001365725.1).
Identifiers: ClinVar variation 325854 (VCV000325854.6), dbSNP rs13372, ClinGen allele CA8838932.